The following is an entry in ClinVar:

NM_001005373.4(LRSAM1):c.2096G>T (p.Cys699Phe)

Gene: LRSAM1 (leucine rich repeat and sterile alpha motif containing 1; plus strand). Cytogenetic location: 9q34.11.
Variant type: single nucleotide variant.
Coding change: c.2096G>T on transcript NM_001005373.4 (MANE Select); coding-DNA position 2096, G replaced by T.
Protein change: p.Cys699Phe; replaces cysteine 699 with phenylalanine.
Molecular consequence: missense variant. On other transcripts: non-coding transcript variant (2).
Genome position (GRCh38, 1-based): chr9:127,502,823, G>T. VCF-style: chr9-127502823-G-T. GRCh37 (hg19) VCF-style: chr9-130265102-G-T.
Other names: c.2096G>T, p.Cys699Phe (NM_001005374.4, NM_001384142.1, NM_138361.5); c.2015G>T, p.Cys672Phe (NM_001190723.3); c.1997G>T, p.Cys666Phe (NM_001384143.1); c.1307G>T, p.Cys436Phe (NM_001384144.1); short protein forms C699F, C436F, C672F, C666F.
Identifiers: ClinVar variation 1372151 (VCV001372151.6), dbSNP rs1275428830, ClinGen allele CA374938812.

ClinVar aggregate classification (germline): Uncertain significance (1 of 4 stars; one submission).

Conditions:
Charcot-Marie-Tooth disease axonal type 2P. Also called: CHARCOT-MARIE-TOOTH DISEASE, AXONAL, TYPE 2G; CMT 2G; CHARCOT-MARIE-TOOTH NEUROPATHY, TYPE 2P; Charcot-Marie-Tooth Neuropathy Type 2G. Identifiers: Orphanet 300319, Orphanet 99941, MedGen C3280797, MONDO:0013753, OMIM 614436.

Submission:

Labcorp Genetics (formerly Invitae), Labcorp
Classification: Uncertain significance for Charcot-Marie-Tooth disease axonal type 2P. Last evaluated: 2021-08-03. Review status: criteria provided, single submitter. Criteria: Invitae Variant Classification Sherloc (09022015). Collection method: clinical testing. Allele origin: germline.
Comment: This sequence change replaces cysteine with phenylalanine at codon 699 of the LRSAM1 protein (p.Cys699Phe). The cysteine residue is highly conserved and there is a large physicochemical difference between cysteine and phenylalanine. This variant is not present in population databases (ExAC no frequency). In summary, the available evidence is currently insufficient to determine the role of this variant in disease. Therefore, it has been classified as a Variant of Uncertain Significance. Algorithms developed to predict the effect of missense changes on protein structure and function (SIFT, PolyPhen-2, Align-GVGD) all suggest that this variant is likely to be disruptive. This variant has not been reported in the literature in individuals affected with LRSAM1-related conditions.